The following is an entry in ClinVar:

NM_002148.4(HOXD10):c.465T>C (p.Ser155=)

Gene: HOXD10 (homeobox D10; plus strand). Cytogenetic location: 2q31.1.
Variant type: single nucleotide variant.
Coding change: c.465T>C on transcript NM_002148.4 (MANE Select); coding-DNA position 465, T replaced by C.
Protein change: p.Ser155=; no amino-acid change (serine 155 retained).
Molecular consequence: synonymous variant.
Genome position (GRCh38, 1-based): chr2:176,117,298, T>C. VCF-style: chr2-176117298-T-C. GRCh37 (hg19) VCF-style: chr2-176982026-T-C.
Identifiers: ClinVar variation 332482 (VCV000332482.8), dbSNP rs141770128, ClinGen allele CA1977297.

ClinVar aggregate classification (germline): Benign/Likely benign. Review status: criteria provided, multiple submitters, no conflicts (2 of 4 stars). 3 submissions from 3 submitters: Benign (1); Likely benign (1). 1 of the submissions does not count toward it. Last evaluated 2024-12-12.

Conditions:
HOXD10-related disorder. Also called: HOXD10-related condition.
Congenital vertical talus. Also called: PES VALGUS, CONGENITAL CONVEX; Rocker-bottom foot deformity. Identifiers: Orphanet 178382, MedGen C0240912, MONDO:0008652, OMIM 192950, HP:0001838.

Allele frequency attached by ClinVar (database versions not stated): ExAC 0.00035; gnomAD exomes 0.00042 and 0.00062; TOPMed 0.00046; gnomAD 0.00048 and 0.00050; ESP Exome Variant Server 0.00054.

Submissions (3):

ARUP Laboratories, Molecular Genetics and Genomics, ARUP Laboratories
Classification: Likely benign. Last evaluated: 2024-12-12. Review status: criteria provided, single submitter. Criteria: ARUP Molecular Germline Variant Investigation Process 2024. Collection method: clinical testing. Allele origin: germline.

Illumina Laboratory Services, Illumina
Classification: Benign for Congenital vertical talus. Last evaluated: 2018-01-12. Review status: criteria provided, single submitter. Criteria: ICSL Variant Classification Criteria 13 December 2019. Collection method: clinical testing. Allele origin: germline.
Comment: This variant was observed in the ICSL laboratory as part of a predisposition screen in an ostensibly healthy population. It had not been previously curated by ICSL or reported in the Human Gene Mutation Database (HGMD: prior to June 1st, 2018), and was therefore a candidate for classification through an automated scoring system. Utilizing variant allele frequency, disease prevalence and penetrance estimates, and inheritance mode, an automated score was calculated to assess if this variant is too frequent to cause the disease. Based on the score and internal cut-off values, a variant classified as benign is not then subjected to further curation. The score for this variant resulted in a classification of benign for this disease.

PreventionGenetics, part of Exact Sciences
Classification: Likely benign for HOXD10-related condition. Last evaluated: 2019-04-01. Review status: no assertion criteria provided. Collection method: clinical testing. Allele origin: germline. Not counted in ClinVar's aggregate classification.
Comment: This variant is classified as likely benign based on ACMG/AMP sequence variant interpretation guidelines (Richards et al. 2015 PMID: 25741868, with internal and published modifications).